The following is an entry in ClinVar:

ClinVar aggregate classification (germline): Pathogenic (1 of 4 stars; one submission).

Conditions:
Myofibrillar myopathy 6. Identifiers: Orphanet 199340, MedGen C2751831, MONDO:0013061, OMIM 612954.
Dilated cardiomyopathy 1HH (CMD1HH). Identifiers: Orphanet 154, MedGen C3151293, MONDO:0013479, OMIM 613881.

Submission:

Labcorp Genetics (formerly Invitae), Labcorp
Classification: Pathogenic for Dilated cardiomyopathy 1HH; Myofibrillar myopathy 6. Last evaluated: 2024-10-29. Review status: criteria provided, single submitter. Criteria: Invitae Variant Classification Sherloc (09022015). Collection method: clinical testing. Allele origin: germline.
Comment: This sequence change creates a premature translational stop signal (p.Ala13Argfs*4) in the BAG3 gene. It is expected to result in an absent or disrupted protein product. Loss-of-function variants in BAG3 are known to be pathogenic (PMID: 21353195, 25008357). This variant is not present in population databases (gnomAD no frequency). This variant has not been reported in the literature in individuals affected with BAG3-related conditions. ClinVar contains an entry for this variant (Variation ID: 2948391). Algorithms developed to predict the effect of sequence changes on RNA splicing suggest that this variant may create or strengthen a splice site. For these reasons, this variant has been classified as Pathogenic.

Literature cited by the submitters: PubMed 21353195; PubMed 25008357.

NM_004281.4(BAG3):c.36_40del (p.Ala13fs)

Gene: BAG3 (BAG cochaperone 3; plus strand). Cytogenetic location: 10q26.11.
Variant type: Deletion.
Coding change: c.36_40del on transcript NM_004281.4 (MANE Select); coding-DNA positions 36 to 40, 5 bases deleted (GGCGT; older notation c.36_40delGGCGT).
Protein change: p.Ala13fs; shifts the reading frame from alanine 13.
Molecular consequence: frameshift variant.
Genome position (GRCh38, 1-based): chr10:119,651,711-119,651,715, GGCGT deleted; deleting any 5 consecutive bases within chr10:119,651,709-119,651,715 gives the same sequence; the c. name uses the placement nearest the transcript's 3' end. VCF-style (leftmost placement, unchanged base first): chr10-119651708-GGTGGC-G. GRCh37 (hg19) VCF-style: chr10-121411220-GGTGGC-G.
Other names: short protein forms A13fs.
Identifiers: ClinVar variation 2948391 (VCV002948391.3), dbSNP rs2493979552, ClinGen allele CA2740093557.